The following is an entry in ClinVar:

ClinVar aggregate classification (germline): Uncertain significance. Review status: criteria provided, multiple submitters, no conflicts (2 of 4 stars). 2 submissions from 2 submitters: Uncertain significance (2). Last evaluated 2026-04-14.

Conditions:
ABCB4-related disorder. Also called: ABCB4-related disorders; ABCB4-related condition.
Low phospholipid associated cholelithiasis (GBD1). Also called: Gallbladder disease 1; Gallstone cholecystitis. Identifiers: Orphanet 69663, MedGen C2609268, MONDO:0010939, OMIM 600803.

gnomAD v4.1: 3 of 1,612,576 alleles (0.00019%); highest among the groups gnomAD compares: Non-Finnish European, 0.00025%; no homozygotes.

Submissions (2):

Genomenon, Inc
Classification: Uncertain significance for Low phospholipid associated cholelithiasis. Last evaluated: 2026-04-14. Review status: criteria provided, single submitter. Criteria: Genomenon Sequence Variant Interpretation Standards - Updated. Collection method: curation. Allele origin: germline. Affected: yes.
Comment: ABCB4 p.Ile377Thr (c.1130T>C) is a missense variant that changes the amino acid at residue 377 from Isoleucine to Threonine. This variant has been observed in at least one proband with an ABCB4-related disorder (PMID:33390354). The variant was found to segregate with disease in at least one affected family (PMID:33390354). It is absent or not present at a significant frequency in gnomAD. In silico models predict that this variant is possibly or probably damaging. In conclusion, we classify ABCB4 p.Ile377Thr (c.1130T>C) as a variant of uncertain significance.

PreventionGenetics, part of Exact Sciences
Classification: Uncertain significance for ABCB4-related condition. Last evaluated: 2026-02-10. Review status: criteria provided, single submitter. Criteria: ACMG Guidelines, 2015. Collection method: clinical testing. Allele origin: germline.
Comment: The ABCB4 c.1130T>C variant is predicted to result in the amino acid substitution p.Ile377Thr. This variant has been reported in the heterozygous state in two family members with cholestatic disease, although pathogenicity was not established (Avena et al. 2021. PubMed ID: 33390354, see Family B). This variant is reported in 0.00088% of alleles in individuals of European (Non-Finnish) descent in gnomAD. Of note, a different variant impacting the same amino acid (p.Ile377Asn) has been reported in an individual with intrahepatic cholestasis of pregnancy (Liu et al. 2022. PubMed ID: 36046230). At this time, the clinical significance of the c.1130T>C (p.Ile377Thr) variant is uncertain due to the absence of conclusive functional and genetic evidence.

Literature cited by the submitters: PubMed 33390354 (cited by Genomenon, Inc).

NM_000443.4(ABCB4):c.1130T>C (p.Ile377Thr)

Gene: ABCB4 (ATP binding cassette subfamily B member 4; minus strand). Cytogenetic location: 7q21.12.
Variant type: single nucleotide variant.
Coding change: c.1130T>C on transcript NM_000443.4 (MANE Select); coding-DNA position 1130, T replaced by C.
Protein change: p.Ile377Thr; replaces isoleucine 377 with threonine.
Molecular consequence: missense variant.
Genome position (GRCh38, 1-based): chr7:87,443,763, A>G on the plus strand (T>C on the coding strand, the complement: ABCB4 is on the minus strand). VCF-style: chr7-87443763-A-G. GRCh37 (hg19) VCF-style: chr7-87073079-A-G.
Other names: c.1130T>C, p.Ile377Thr (NM_018849.3, NM_018850.3); c.1130T>C (NM_000443.3); short protein forms I377T.
Identifiers: ClinVar variation 4846503 (VCV004846503.2).
Genomic context (GRCh38, chr7:87,443,763, plus strand): 5'-TTGAACTCCAAATTCCCTTTGATGCTGTCTGGTTTGTGTCCTCTCTCTGAAAAACTGTCA[A>G]TTTTAGGATTCTAAATAAAACAAAATGTAATGACTATTCCATCATAGCACAAACAAGTTG-3'
Protein context (NP_000434.1, residues 367-387): IFDIIDNNPK[Ile377Thr]DSFSERGHKP